The following is an entry in ClinVar:

NM_138927.4(SON):c.3070A>G (p.Met1024Val)

Gene: SON (SON DNA and RNA binding protein; plus strand). Cytogenetic location: 21q22.11.
Variant type: single nucleotide variant.
Coding change: c.3070A>G on transcript NM_138927.4 (MANE Select); coding-DNA position 3070, A replaced by G.
Protein change: p.Met1024Val; replaces methionine 1024 with valine.
Molecular consequence: missense variant. On other transcripts: non-coding transcript variant (1), intron variant (1).
Genome position (GRCh38, 1-based): chr21:33,552,301, A>G. VCF-style: chr21-33552301-A-G. GRCh37 (hg19) VCF-style: chr21-34924607-A-G.
Other names: c.3070A>G, p.Met1024Val (NM_001291411.2, NM_001412133.1, NM_032195.3 and 2 more transcripts); c.245-4855A>G (NM_001291412.3); c.3070A>G (NM_138927.1); short protein forms M1024V.
Identifiers: ClinVar variation 2168800 (VCV002168800.5), dbSNP rs145573687, ClinGen allele CA10009206.
Genomic context (GRCh38, chr21:33,552,301, plus strand): 5'-GCTGCAGAACGTTCCATGATGTCATCTTACGAACGCTCTATGATGTCTTATGAGCGGTCT[A>G]TGATGTCCCCTATGGCTGAACGCTCTATGATGTCAGCCTACGAGCGCTCTATGATGTCAG-3'
Protein context (NP_620305.3, residues 1014-1034): ERSMMSYERS[Met1024Val]MSPMAERSMM

ClinVar aggregate classification (germline): Conflicting classifications of pathogenicity. Review status: criteria provided, conflicting classifications (1 of 4 stars). 2 submissions from 2 submitters: Uncertain significance (1); Likely benign (1). Last evaluated 2024-12-15.

Conditions:
Inborn genetic diseases. Identifiers: MedGen C0950123, MeSH D030342.

Allele frequency attached by ClinVar (database versions not stated): ExAC 0.00001; gnomAD 0.00001; gnomAD exomes 0.00002; TOPMed 0.00002; ESP Exome Variant Server 0.00008.

Submissions (2):

Labcorp Genetics (formerly Invitae), Labcorp
Classification: Uncertain significance. Last evaluated: 2024-12-15. Review status: criteria provided, single submitter. Criteria: Invitae Variant Classification Sherloc (09022015). Collection method: clinical testing. Allele origin: germline.
Comment: This sequence change replaces methionine, which is neutral and non-polar, with valine, which is neutral and non-polar, at codon 1024 of the SON protein (p.Met1024Val). This variant is present in population databases (rs145573687, gnomAD 0.006%). This variant has not been reported in the literature in individuals affected with SON-related conditions. ClinVar contains an entry for this variant (Variation ID: 2168800). An algorithm developed to predict the effect of missense changes on protein structure and function (PolyPhen-2) suggests that this variant is likely to be disruptive. In summary, the available evidence is currently insufficient to determine the role of this variant in disease. Therefore, it has been classified as a Variant of Uncertain Significance.

Ambry Genetics
Classification: Likely benign for Inborn genetic diseases. Last evaluated: 2021-07-27. Review status: criteria provided, single submitter. Criteria: Ambry Variant Classification Scheme 2023. Collection method: clinical testing. Allele origin: germline.